The following is an entry in ClinVar:

NM_014844.5(TECPR2):c.3830del (p.Asn1277fs)

Gene: TECPR2 (tectonin beta-propeller repeat containing 2; plus strand). Cytogenetic location: 14q32.31.
Variant type: Deletion.
Coding change: c.3830del on transcript NM_014844.5 (MANE Select); coding-DNA position 3830, one base deleted (A; older notation c.3830delA).
Protein change: p.Asn1277fs; shifts the reading frame from asparagine 1277.
Molecular consequence: frameshift variant.
Genome position (GRCh38, 1-based): chr14:102,497,019, A deleted; the last of 2 consecutive A bases (chr14:102,497,018-102,497,019); deleting either gives the same sequence. VCF-style (leftmost placement, unchanged base first): chr14-102497017-CA-C. GRCh37 (hg19) VCF-style: chr14-102963354-CA-C.
Other names: short protein forms N1277fs.
Identifiers: ClinVar variation 977489 (VCV000977489.5), dbSNP rs1891300695, ClinGen allele CA1139663762.
Genomic context (GRCh38, chr14:102,497,017, plus strand): 5'-GAAAGTCCCTTCCCGCTTCCAGCCCGCCGGGGTCAGCTTGGTCAGCGTCCATTCCAGCCC[CA>C]ACGACCAGATGCTGTGGGTGCTTGACAGCAGGTGGAACGTGCACGTGCGGACCGGGATCA-3'

ClinVar aggregate classification (germline): Pathogenic/Likely pathogenic. Review status: criteria provided, multiple submitters, no conflicts (2 of 4 stars). 3 submissions from 3 submitters: Pathogenic (1); Likely pathogenic (1). 1 of the submissions does not count toward it. Last evaluated 2024-07-07.

Conditions:
Sensory autonomic neuropathy with intellectual disability.
Hereditary spastic paraplegia 49 (HSAN9). Also called: Spastic paraplegia 49, autosomal recessive; NEUROPATHY, HEREDITARY SENSORY AND AUTONOMIC, TYPE IX, WITH DEVELOPMENTAL DELAY; TECPR2-Related Hereditary Sensory and Autonomic Neuropathy with Intellectual Disability. Identifiers: Orphanet 320385, MedGen C5190860, MONDO:0014016, OMIM 615031.

Submissions (3):

Natera, Inc.
Classification: Pathogenic for Autosomal recessive spastic paraplegia type 49. Last evaluated: 2024-07-07. Review status: criteria provided, single submitter. Criteria: Natera Variant Classification Schema (03/2026). Collection method: clinical testing. Allele origin: germline.
Comment: The c.3830delA variant in TECPR2 is a frameshift variant predicted to shift the reading frame beginning at codon 1277 and leads to a stop codon 43 codons downstream. This variant is expected to result in nonsense mediated decay, truncation, or a dysfunctional protein product. This variant is rare in the general population with a frequency below the threshold expected for the associated phenotype(s). This variant has been observed in one or more individuals affected with the associated recessive disease, as either homozygous or compound heterozygous with a second variant (PMID: 33847017). Given the available evidence, this variant is classified as Pathogenic.

Institute of Human Genetics, University of Leipzig Medical Center
Classification: Likely pathogenic for Hereditary spastic paraplegia 49. Last evaluated: 2021-01-16. Review status: criteria provided, single submitter. Criteria: ACMG Guidelines, 2015. Collection method: clinical testing. Allele origin: paternal. Inheritance: Autosomal recessive inheritance. Affected: yes. Observed: 1 variant allele, 1 compound heterozygote.
Comment: This frameshift variant c.3830del, p.(Asn1277Thrfs*43) in exon 18/20 of TECPR2 has not been reported in the general population or variant databases. Biallelic truncating or missense variants have been described to cause "Spastic paraplegia 49, autosomal recessive" (Oz-Levi et al. Am J Hum Genet. 2012, PMID: 23176824). Taken together, we classify this variant as likely pathogenic based on the ACMG recommendations (Richards et al., 2015, PMID 25741868; criteria: PVS1 PM2).

Clinical Genomics Unit, Sheba Medical Center
Classification: Pathogenic for Sensory autonomic neuropathy with intellectual disability. Review status: no assertion criteria provided. Collection method: clinical testing. Allele origin: germline. Affected: yes. Not counted in ClinVar's aggregate classification.

Literature cited by the submitters: PubMed 33847017 (cited by Natera, Inc.).